The following is an entry in ClinVar:

ClinVar aggregate classification (germline): Pathogenic (1 of 4 stars; one submission).

Submission:

Labcorp Genetics (formerly Invitae), Labcorp
Classification: Pathogenic. Last evaluated: 2023-04-03. Review status: criteria provided, single submitter. Criteria: Invitae Variant Classification Sherloc (09022015). Collection method: clinical testing. Allele origin: germline.
Comment: For these reasons, this variant has been classified as Pathogenic. Algorithms developed to predict the effect of sequence changes on RNA splicing suggest that this variant may disrupt the consensus splice site. Disruption of this splice site has been observed in individuals with Pendred syndrome (PMID: 9618167, 24224479, 26744121). This variant is not present in population databases (gnomAD no frequency). This sequence change affects a donor splice site in intron 8 of the SLC26A4 gene. It is expected to disrupt RNA splicing. Variants that disrupt the donor or acceptor splice site typically lead to a loss of protein function (PMID: 16199547), and loss-of-function variants in SLC26A4 are known to be pathogenic (PMID: 16283880, 25394566, 26252218, 26445815).

Literature cited by the submitters: PubMed 9618167; PubMed 24224479; PubMed 26744121; PubMed 16199547; PubMed 16283880; PubMed 25394566; PubMed 26252218; PubMed 26445815.

NM_000441.2(SLC26A4):c.1001+1G>C

Gene: SLC26A4 (solute carrier family 26 member 4; plus strand). Cytogenetic location: 7q22.3.
Variant type: single nucleotide variant.
Coding change: c.1001+1G>C on transcript NM_000441.2 (MANE Select); the canonical splice donor site of the intron after coding-DNA position 1001, G replaced by C.
Molecular consequence: splice donor variant.
Genome position (GRCh38, 1-based): chr7:107,683,538, G>C. VCF-style: chr7-107683538-G-C. GRCh37 (hg19) VCF-style: chr7-107323983-G-C.
Identifiers: ClinVar variation 2851629 (VCV002851629.3), dbSNP rs80338849, ClinGen allele CA368836315.